The following is an entry in ClinVar:

NM_001077350.3(NPRL3):c.921G>A (p.Leu307=)

Genes: HBA-LCR (alpha-globin locus control region; plus strand), NPRL3 (NPR3 like, GATOR1 complex subunit; minus strand). Cytogenetic location: 16p13.3.
Variant type: single nucleotide variant.
Coding change: c.921G>A on transcript NM_001077350.3 (MANE Select); coding-DNA position 921, G replaced by A.
Protein change: p.Leu307=; no amino-acid change (leucine 307 retained).
Molecular consequence: synonymous variant.
Genome position (GRCh38, 1-based): chr16:98,148, C>T on the plus strand (G>A on the coding strand, the complement: NPRL3 is on the minus strand). VCF-style: chr16-98148-C-T. GRCh37 (hg19) VCF-style: chr16-148146-C-T.
Other names: c.384G>A, p.Leu128= (NM_001039476.3); c.687G>A, p.Leu229= (NM_001243247.2); c.846G>A, p.Leu282= (NM_001243248.2, NM_001243249.2).
Identifiers: ClinVar variation 2645771 (VCV002645771.24), dbSNP rs2542826119, ClinGen allele CA492798120.

ClinVar aggregate classification (germline): Likely benign (1 of 4 stars; one submission).

Submission:

CeGaT Center for Human Genetics Tuebingen
Classification: Likely benign. Last evaluated: 2022-08-01. Review status: criteria provided, single submitter. Criteria: CeGaT Center For Human Genetics Tuebingen Variant Classification Criteria Version 2. Collection method: clinical testing. Allele origin: germline. Affected: yes. Observed: 1 variant allele.
Comment: NPRL3: PM2:Supporting, BP4, BP7